The following is an entry in ClinVar:

NM_015450.3(POT1):c.821G>A (p.Gly274Glu)

Gene: POT1 (protection of telomeres 1; minus strand). Cytogenetic location: 7q31.33.
Variant type: single nucleotide variant.
Coding change: c.821G>A on transcript NM_015450.3 (MANE Select); coding-DNA position 821, G replaced by A.
Protein change: p.Gly274Glu; replaces glycine 274 with glutamic acid.
Molecular consequence: missense variant. On other transcripts: non-coding transcript variant (3).
Genome position (GRCh38, 1-based): chr7:124,853,020, C>T on the plus strand (G>A on the coding strand, the complement: POT1 is on the minus strand). VCF-style: chr7-124853020-C-T. GRCh37 (hg19) VCF-style: chr7-124493074-C-T.
Other names: c.428G>A, p.Gly143Glu (NM_001042594.2); c.821G>A (NM_015450.2); short protein forms G274E, G143E.
Identifiers: ClinVar variation 2917187 (VCV002917187.6), dbSNP rs1450862341, ClinGen allele CA369055334.

ClinVar aggregate classification (germline): Uncertain significance. Review status: criteria provided, multiple submitters, no conflicts (2 of 4 stars). 3 submissions from 3 submitters: Uncertain significance (3). Last evaluated 2026-04-01.

Conditions:
Tumor predisposition syndrome 3 (TPDS3). Also called: Glioma susceptibility 9; LONG TELOMERE SYNDROME, POT1-RELATED; POT1 Tumor Predisposition; Melanoma, cutaneous malignant, susceptibility to, 10. Identifiers: Orphanet 618, MedGen C4014476, MONDO:0014368, OMIM 615848.
Hereditary cancer-predisposing syndrome. Also called: Hereditary Cancer Syndrome; Hereditary neoplastic syndrome; Neoplastic Syndromes, Hereditary; Tumor predisposition. Identifiers: Orphanet 140162, MedGen C0027672, MeSH D009386, MONDO:0015356.

Allele frequency attached by ClinVar (database versions not stated): gnomAD 0.00001.
gnomAD v4.1: 1 of 1,613,332 alleles (0.000062%); highest among the groups gnomAD compares: Non-Finnish European, 0.000085%; no homozygotes.

Submissions (3):

CeGaT Center for Human Genetics Tuebingen
Classification: Uncertain significance. Last evaluated: 2026-04-01. Review status: criteria provided, single submitter. Criteria: CeGaT Center For Human Genetics Tuebingen Variant Classification Criteria Version 2. Collection method: clinical testing. Allele origin: germline. Affected: yes. Observed: 1 variant allele.
Comment: POT1: PM2, PM1:Supporting

Ambry Genetics
Classification: Uncertain significance for Hereditary cancer-predisposing syndrome. Last evaluated: 2025-10-22. Review status: criteria provided, single submitter. Criteria: Ambry Variant Classification Scheme 2023. Collection method: clinical testing. Allele origin: germline.
Comment: The p.G274E variant (also known as c.821G>A), located in coding exon 6 of the POT1 gene, results from a G to A substitution at nucleotide position 821. The glycine at codon 274 is replaced by glutamic acid, an amino acid with similar properties. This amino acid position is highly conserved in available vertebrate species. In addition, the in silico prediction for this alteration is inconclusive. Based on the available evidence, the clinical significance of this variant remains unclear.

Labcorp Genetics (formerly Invitae), Labcorp
Classification: Uncertain significance for Tumor predisposition syndrome 3. Last evaluated: 2023-03-09. Review status: criteria provided, single submitter. Criteria: Invitae Variant Classification Sherloc (09022015). Collection method: clinical testing. Allele origin: germline.
Comment: The frequency data for this variant in the population databases is considered unreliable, as metrics indicate poor data quality at this position in the gnomAD database. In summary, the available evidence is currently insufficient to determine the role of this variant in disease. Therefore, it has been classified as a Variant of Uncertain Significance. Advanced modeling of protein sequence and biophysical properties (such as structural, functional, and spatial information, amino acid conservation, physicochemical variation, residue mobility, and thermodynamic stability) performed at Invitae indicates that this missense variant is not expected to disrupt POT1 protein function. This variant has not been reported in the literature in individuals affected with POT1-related conditions. This sequence change replaces glycine, which is neutral and non-polar, with glutamic acid, which is acidic and polar, at codon 274 of the POT1 protein (p.Gly274Glu).